The following is an entry in ClinVar:

ClinVar aggregate classification (germline): Uncertain significance. Review status: criteria provided, single submitter (1 of 4 stars). 2 submissions from 2 submitters: Uncertain significance (1). 1 of the submissions does not count toward it. Last evaluated 2022-01-26.

Conditions:
Jeune thoracic dystrophy. Also called: Jeune syndrome; Infantile thoracic dystrophy; Thoracic pelvic phalangeal dystrophy; Jeune's syndrome; Chondroectodermal dysplasia-like syndrome; Short-rib thoracic dysplasia. Identifiers: Orphanet 474, MedGen C0265275, MONDO:0018770.
Nephronophthisis. Also called: Juvenile Nephronophthisis. Identifiers: Orphanet 655, MedGen C0687120, MONDO:0019005, HP:0000090.
TTC21B-related disorder. Also called: TTC21B-related condition; TTC21B-related disorders.

Submissions (2):

Labcorp Genetics (formerly Invitae), Labcorp
Classification: Uncertain significance for Jeune thoracic dystrophy; Nephronophthisis. Last evaluated: 2022-01-26. Review status: criteria provided, single submitter. Criteria: Invitae Variant Classification Sherloc (09022015). Collection method: clinical testing. Allele origin: germline.
Comment: This sequence change replaces glutamic acid, which is acidic and polar, with lysine, which is basic and polar, at codon 414 of the TTC21B protein (p.Glu414Lys). This variant is not present in population databases (gnomAD no frequency). This variant has not been reported in the literature in individuals affected with TTC21B-related conditions. Algorithms developed to predict the effect of missense changes on protein structure and function (SIFT, PolyPhen-2, Align-GVGD) all suggest that this variant is likely to be tolerated. In summary, the available evidence is currently insufficient to determine the role of this variant in disease. Therefore, it has been classified as a Variant of Uncertain Significance.

PreventionGenetics, part of Exact Sciences
Classification: Uncertain significance for TTC21B-related condition. Last evaluated: 2024-09-18. Review status: no assertion criteria provided. Collection method: clinical testing. Allele origin: germline. Not counted in ClinVar's aggregate classification.
Comment: The TTC21B c.1240G>A variant is predicted to result in the amino acid substitution p.Glu414Lys. To our knowledge, this variant has not been reported in the literature or in a large population database, indicating this variant is rare. At this time, the clinical significance of this variant is uncertain due to the absence of conclusive functional and genetic evidence.

NM_024753.5(TTC21B):c.1240G>A (p.Glu414Lys)

Gene: TTC21B (tetratricopeptide repeat domain 21B; minus strand). Cytogenetic location: 2q24.3.
Variant type: single nucleotide variant.
Coding change: c.1240G>A on transcript NM_024753.5 (MANE Select); coding-DNA position 1240, G replaced by A.
Protein change: p.Glu414Lys; replaces glutamic acid 414 with lysine.
Molecular consequence: missense variant.
Genome position (GRCh38, 1-based): chr2:165,929,281, C>T on the plus strand (G>A on the coding strand, the complement: TTC21B is on the minus strand). VCF-style: chr2-165929281-C-T. GRCh37 (hg19) VCF-style: chr2-166785791-C-T.
Other names: c.1240G>A (NM_024753.4); short protein forms E414K.
Identifiers: ClinVar variation 2089868 (VCV002089868.5), dbSNP rs2468209400, ClinGen allele CA349065424.